The following is an entry in ClinVar:

NM_000059.4(BRCA2):c.2273G>A (p.Ser758Asn)

Gene: BRCA2 (BRCA2 DNA repair associated; plus strand). Cytogenetic location: 13q13.1.
Variant type: single nucleotide variant.
Coding change: c.2273G>A on transcript NM_000059.4 (MANE Select); coding-DNA position 2273, G replaced by A.
Protein change: p.Ser758Asn; replaces serine 758 with asparagine.
Molecular consequence: missense variant.
Genome position (GRCh38, 1-based): chr13:32,336,628, G>A. VCF-style: chr13-32336628-G-A. GRCh37 (hg19) VCF-style: chr13-32910765-G-A.
Other names: short protein forms S758N.
Identifiers: ClinVar variation 820929 (VCV000820929.19), dbSNP rs1593896511, ClinGen allele CA387771075.
Genomic context (GRCh38, chr13:32,336,628, plus strand): 5'-GTCACCCAGTACAACATTCAAAAGTGGAATACAGTGATACTGACTTTCAATCCCAGAAAA[G>A]TCTTTTATATGATCATGAAAATGCCAGCACTCTTATTTTAACTCCTACTTCCAAGGATGT-3'
Protein context (NP_000050.3, residues 748-768): YSDTDFQSQK[Ser758Asn]LLYDHENAST

ClinVar aggregate classification (germline): Conflicting classifications of pathogenicity. Review status: criteria provided, conflicting classifications (1 of 4 stars). 5 submissions from 5 submitters: Uncertain significance (3); Likely benign (1). 1 of the submissions does not count toward it. Last evaluated 2025-09-29.

Conditions:
Hereditary cancer-predisposing syndrome. Also called: Hereditary Cancer Syndrome; Neoplastic Syndromes, Hereditary; Hereditary neoplastic syndrome; Tumor predisposition. Identifiers: Orphanet 140162, MedGen C0027672, MeSH D009386, MONDO:0015356.
Hereditary breast ovarian cancer syndrome. Also called: Hereditary breast and ovarian cancer syndrome (HBOC); Hereditary breast and ovarian cancer syndrome; Breast and ovarian cancer; Hereditary breast and/or ovarian cancer syndrome; BRCA1- and BRCA2-Associated Hereditary Breast and Ovarian Cancer; Hereditary breast and ovarian cancer. Identifiers: Orphanet 145, MedGen C0677776, MeSH D061325, MONDO:0003582. Disease mechanism: loss of function.
Breast-ovarian cancer, familial, susceptibility to, 2 (BROVCA2). Also called: BRCA2 Hereditary Breast and Ovarian Cancer. Identifiers: Orphanet 145, MedGen C2675520, MONDO:0012933, OMIM 612555. Disease mechanism: loss of function.

Submissions (5):

Ambry Genetics
Classification: Uncertain significance for Hereditary cancer-predisposing syndrome. Last evaluated: 2025-09-29. Review status: criteria provided, single submitter. Criteria: Ambry Variant Classification Scheme 2023. Collection method: clinical testing. Allele origin: germline.
Comment: The p.S758N variant (also known as c.2273G>A), located in coding exon 10 of the BRCA2 gene, results from a G to A substitution at nucleotide position 2273. The serine at codon 758 is replaced by asparagine, an amino acid with highly similar properties. This amino acid position is poorly conserved in available vertebrate species. In addition, this alteration is predicted to be tolerated by in silico analysis. Since supporting evidence is limited at this time, the clinical significance of this alteration remains unclear.

All of Us Research Program, National Institutes of Health
Classification: Uncertain significance for Breast-ovarian cancer, familial, susceptibility to, 2. Last evaluated: 2023-06-26. Review status: criteria provided, single submitter. Criteria: ACMG Guidelines, 2015. Collection method: clinical testing. Allele origin: germline. Inheritance: Autosomal dominant inheritance. Observed: 1 variant allele, 1 heterozygote.
Comment: This missense variant replaces serine with asparagine at codon 758 of the BRCA2 protein. Computational prediction suggests that this variant may not impact protein structure and function (internally defined REVEL score threshold <= 0.5, PMID: 27666373). To our knowledge, functional studies have not been reported for this variant. This variant has not been reported in individuals affected with BRCA2-related disorders in the literature. This variant has not been identified in the general population by the Genome Aggregation Database (gnomAD). The available evidence is insufficient to determine the role of this variant in disease conclusively. Therefore, this variant is classified as a Variant of Uncertain Significance.

This study involves interpretation of variants in research participants for the purpose of population health screening. Participant phenotype was not available at the time of variant classification. Additional details can be found in publication PMID: 35346344, PMCID: PMC8962531

University of Washington Department of Laboratory Medicine, University of Washington
Classification: Likely benign for Hereditary cancer-predisposing syndrome. Last evaluated: 2023-03-23. Review status: criteria provided, single submitter. Criteria: Dines et al. (Genet Med. 2020). Collection method: curation. Allele origin: germline.
Comment: Missense variant in a coldspot region where missense variants are very unlikely to be pathogenic (PMID:31911673).

BRCA2 exon 11 coldspot. Reclassification based on statistical prior probability.

Labcorp Genetics (formerly Invitae), Labcorp
Classification: Uncertain significance for Hereditary breast ovarian cancer syndrome. Last evaluated: 2021-01-20. Review status: criteria provided, single submitter. Criteria: Invitae Variant Classification Sherloc (09022015). Collection method: clinical testing. Allele origin: germline.
Comment: In summary, the available evidence is currently insufficient to determine the role of this variant in disease. Therefore, it has been classified as a Variant of Uncertain Significance. Algorithms developed to predict the effect of missense changes on protein structure and function output the following: SIFT: "Tolerated"; PolyPhen-2: "Benign"; Align-GVGD: "Class C0". The asparagine amino acid residue is found in multiple mammalian species, suggesting that this missense change does not adversely affect protein function. These predictions have not been confirmed by published functional studies and their clinical significance is uncertain. This variant has not been reported in the literature in individuals with BRCA2-related conditions. This variant is not present in population databases (ExAC no frequency). This sequence change replaces serine with asparagine at codon 758 of the BRCA2 protein (p.Ser758Asn). The serine residue is weakly conserved and there is a small physicochemical difference between serine and asparagine.

Department of Medical and Surgical Sciences, University of Bologna
Classification: Likely benign for Breast-ovarian cancer, familial, susceptibility to, 2. Last evaluated: 2023-09-01. Review status: no assertion criteria provided. Collection method: clinical testing. Allele origin: germline. Affected: yes. Not counted in ClinVar's aggregate classification.
Comment: PM2(Supporting)+BP1(Strong) according to ACMG/AMP classification guidelines specified for BRCA1 & BRCA2 (Classification Criteria V1.0.0 2023-09-08) (PMID: 38160042)